The following is an entry in ClinVar:

ClinVar aggregate classification (germline): Uncertain significance (1 of 4 stars; one submission).

Conditions:
Epileptic encephalopathy. Identifiers: MedGen C0543888, HP:0200134.

Allele frequency attached by ClinVar (database versions not stated): gnomAD exomes below 0.00001.
gnomAD v4.1: 1 of 1,614,010 alleles (0.000062%); highest among the groups gnomAD compares: Non-Finnish European, 0.000085%; no homozygotes.

Submission:

Labcorp Genetics (formerly Invitae), Labcorp
Classification: Uncertain significance for Epileptic encephalopathy. Last evaluated: 2022-08-22. Review status: criteria provided, single submitter. Criteria: Invitae Variant Classification Sherloc (09022015). Collection method: clinical testing. Allele origin: germline.
Comment: In summary, the available evidence is currently insufficient to determine the role of this variant in disease. Therefore, it has been classified as a Variant of Uncertain Significance. This sequence change replaces glycine, which is neutral and non-polar, with arginine, which is basic and polar, at codon 3357 of the RYR3 protein (p.Gly3357Arg). This variant is present in population databases (no rsID available, gnomAD 0.0009%). This variant has not been reported in the literature in individuals affected with RYR3-related conditions. ClinVar contains an entry for this variant (Variation ID: 579465). Algorithms developed to predict the effect of missense changes on protein structure and function are either unavailable or do not agree on the potential impact of this missense change (SIFT: "Deleterious"; PolyPhen-2: "Possibly Damaging"; Align-GVGD: "Class C15").

NM_001036.6(RYR3):c.10069G>A (p.Gly3357Arg)

Gene: RYR3 (ryanodine receptor 3; plus strand). Cytogenetic location: 15q14.
Variant type: single nucleotide variant.
Coding change: c.10069G>A on transcript NM_001036.6 (MANE Select); coding-DNA position 10069, G replaced by A.
Protein change: p.Gly3357Arg; replaces glycine 3357 with arginine.
Molecular consequence: missense variant.
Genome position (GRCh38, 1-based): chr15:33,810,521, G>A. VCF-style: chr15-33810521-G-A. GRCh37 (hg19) VCF-style: chr15-34102722-G-A.
Other names: c.10054G>A, p.Gly3352Arg (NM_001243996.4); short protein forms G3357R, G3352R.
Identifiers: ClinVar variation 579465 (VCV000579465.8), dbSNP rs1441405400, ClinGen allele CA391581422.
Genomic context (GRCh38, chr15:33,810,521, plus strand): 5'-TTCAACATCATCTCCTAGTCTGGAGGACAAGACCAGGAGCGGAAGAAGACAAAGCGGCGG[G>A]GAGACTTGTATTCCATCCAGACCTCCCTCATCGTGGCTGCACTCAAGAAAATGCTGCCCA-3'
Protein context (NP_001027.3, residues 3347-3367): DQERKKTKRR[Gly3357Arg]DLYSIQTSLI